The following is an entry in ClinVar:

ClinVar aggregate classification (germline): Conflicting classifications of pathogenicity. Review status: criteria provided, conflicting classifications (1 of 4 stars). 3 submissions from 3 submitters: Likely pathogenic (2); Uncertain significance (1). Last evaluated 2025-08-29.

Conditions:
Atrial septal defect 2 (ASD2). Identifiers: Orphanet 1478, MedGen C1842778, MONDO:0011938, OMIM 607941.
Atrioventricular septal defect 4 (AVSD4). Identifiers: MedGen C3280781, MONDO:0013747, OMIM 614430.

Allele frequency attached by ClinVar (database versions not stated): TOPMed below 0.00001.

Submissions (3):

Labcorp Genetics (formerly Invitae), Labcorp
Classification: Uncertain significance for Atrioventricular septal defect 4. Last evaluated: 2025-08-29. Review status: criteria provided, single submitter. Criteria: Invitae Variant Classification Sherloc (09022015). Collection method: clinical testing. Allele origin: germline.
Comment: This sequence change replaces arginine, which is basic and polar, with tryptophan, which is neutral and slightly polar, at codon 320 of the GATA4 protein (p.Arg320Trp). This variant is not present in population databases (gnomAD no frequency). This missense change has been observed in individual(s) with an atrial septal defect and pancreatic agenesis and ventricular septal defects (PMID: 20854389, 29377543). ClinVar contains an entry for this variant (Variation ID: 545667). Invitae Evidence Modeling of protein sequence and biophysical properties (such as structural, functional, and spatial information, amino acid conservation, physicochemical variation, residue mobility, and thermodynamic stability) indicates that this missense variant is expected to disrupt GATA4 protein function with a positive predictive value of 95%. Experimental studies have shown that this missense change affects GATA4 function (PMID: 20854389). In summary, the available evidence is currently insufficient to determine the role of this variant in disease. Therefore, it has been classified as a Variant of Uncertain Significance.

GeneDx
Classification: Likely pathogenic. Last evaluated: 2024-10-11. Review status: criteria provided, single submitter. Criteria: GeneDx Variant Classification Process June 2021. Collection method: clinical testing. Allele origin: germline. Affected: yes.
Comment: Reported in an individual with an atrial septal defect and pancreatic agenesis, and segregated with disease in a sibling with an atrial septal defect; described as p.Arg319Trp (PMID: 20854389); Identified in an individual with a ventricular septal defect (PMID: 29377543); Not observed at significant frequency in large population cohorts (gnomAD); Published functional studies suggest this variant results in lower protein translocation to the nucleus and reduced binding affinity (PMID: 20854389); In silico analysis supports that this missense variant has a deleterious effect on protein structure/function; This variant is associated with the following publications: (PMID: 29377543, 35047139, 20854389)

Guangdong Provincial Key Laboratory of South China Structural Heart Disease, Guangdong Cardiovascular Institute
Classification: Likely pathogenic for Atrial septal defect 2. Last evaluated: 2017-10-01. Review status: criteria provided, single submitter. Criteria: ACMG Guidelines, 2015. Collection method: research. Allele origin: inherited. Inheritance: Autosomal dominant inheritance with maternal imprinting. Affected: yes. Observed: 4 variant alleles, 4 heterozygotes. Clinical features observed: Atrial septal defect, ostium secundum type (HP:0001684).

Literature cited by the submitters: PubMed 20854389 (cited by Labcorp Genetics (formerly Invitae), Labcorp); PubMed 29377543 (cited by Labcorp Genetics (formerly Invitae), Labcorp).

NM_001308093.3(GATA4):c.961C>T (p.Arg321Trp)

Gene: GATA4 (GATA binding protein 4). Cytogenetic location: 8p23.1.
Variant type: single nucleotide variant.
Coding change: c.961C>T on transcript NM_001308093.3 (MANE Select); coding-DNA position 961, C replaced by T.
Protein change: p.Arg321Trp; replaces arginine 321 with tryptophan.
Molecular consequence: missense variant.
Genome position (GRCh38, 1-based): chr8:11,755,094, C>T. VCF-style: chr8-11755094-C-T. GRCh37 (hg19) VCF-style: chr8-11612603-C-T.
Other names: c.340C>T, p.Arg114Trp (NM_001308094.2, NM_001374273.1); c.214C>T, p.Arg72Trp (NM_001374274.1); c.958C>T, p.Arg320Trp (NM_002052.5); short protein forms R320W, R114W, R321W, R72W.
Identifiers: ClinVar variation 545667 (VCV000545667.13), dbSNP rs1282433424, ClinGen allele CA370314472.